The following is an entry in ClinVar:

NM_006269.2(RP1):c.746G>T (p.Arg249Leu)

Gene: RP1 (RP1 axonemal microtubule associated; plus strand). Cytogenetic location: 8q12.1.
Variant type: single nucleotide variant.
Coding change: c.746G>T on transcript NM_006269.2 (MANE Select); coding-DNA position 746, G replaced by T.
Protein change: p.Arg249Leu; replaces arginine 249 with leucine.
Molecular consequence: missense variant.
Genome position (GRCh38, 1-based): chr8:54,622,247, G>T. VCF-style: chr8-54622247-G-T. GRCh37 (hg19) VCF-style: chr8-55534807-G-T.
Other names: c.746G>T, p.Arg249Leu (NM_001375654.1); short protein forms R249L.
Identifiers: ClinVar variation 1034794 (VCV001034794.8), dbSNP rs373574136, ClinGen allele CA4751251.

ClinVar aggregate classification (germline): Uncertain significance (1 of 4 stars; one submission).

Allele frequency attached by ClinVar (database versions not stated): ESP Exome Variant Server 0.00008.
gnomAD v4.1: 2 of 1,614,086 alleles (0.00012%); highest among the groups gnomAD compares: Non-Finnish European, 0.00017%; no homozygotes.

Submission:

Labcorp Genetics (formerly Invitae), Labcorp
Classification: Uncertain significance. Last evaluated: 2020-08-08. Review status: criteria provided, single submitter. Criteria: Invitae Variant Classification Sherloc (09022015). Collection method: clinical testing. Allele origin: germline.
Comment: This variant has not been reported in the literature in individuals with RP1-related conditions. Algorithms developed to predict the effect of missense changes on protein structure and function are either unavailable or do not agree on the potential impact of this missense change (SIFT: "Deleterious"; PolyPhen-2: "Possibly Damaging"; Align-GVGD: "Class C0"). In summary, the available evidence is currently insufficient to determine the role of this variant in disease. Therefore, it has been classified as a Variant of Uncertain Significance. This variant is present in population databases (rs373574136, ExAC 0.003%). This sequence change replaces arginine with leucine at codon 249 of the RP1 protein (p.Arg249Leu). The arginine residue is highly conserved and there is a moderate physicochemical difference between arginine and leucine.